The following is an entry in ClinVar:

ClinVar aggregate classification (germline): Uncertain significance (1 of 4 stars; one submission).

Conditions:
Kleefstra syndrome 1 (KLEFS1). Identifiers: Orphanet 261494, MedGen C0795833, MONDO:0027407, OMIM 610253.

Submission:

Labcorp Genetics (formerly Invitae), Labcorp
Classification: Uncertain significance for Kleefstra syndrome 1. Last evaluated: 2022-09-01. Review status: criteria provided, single submitter. Criteria: Invitae Variant Classification Sherloc (09022015). Collection method: clinical testing. Allele origin: germline.
Comment: Algorithms developed to predict the effect of missense changes on protein structure and function (SIFT, PolyPhen-2, Align-GVGD) all suggest that this variant is likely to be disruptive. This sequence change replaces alanine, which is neutral and non-polar, with threonine, which is neutral and polar, at codon 1165 of the EHMT1 protein (p.Ala1165Thr). This variant is not present in population databases (gnomAD no frequency). This variant has not been reported in the literature in individuals affected with EHMT1-related conditions. ClinVar contains an entry for this variant (Variation ID: 1464939). In summary, the available evidence is currently insufficient to determine the role of this variant in disease. Therefore, it has been classified as a Variant of Uncertain Significance.

NM_024757.5(EHMT1):c.3493G>A (p.Ala1165Thr)

Gene: EHMT1 (euchromatic histone lysine methyltransferase 1; plus strand). Cytogenetic location: 9q34.3.
Variant type: single nucleotide variant.
Coding change: c.3493G>A on transcript NM_024757.5 (MANE Select); coding-DNA position 3493, G replaced by A.
Protein change: p.Ala1165Thr; replaces alanine 1165 with threonine.
Molecular consequence: missense variant.
Genome position (GRCh38, 1-based): chr9:137,818,091, G>A. VCF-style: chr9-137818091-G-A. GRCh37 (hg19) VCF-style: chr9-140712543-G-A.
Other names: c.3472G>A, p.Ala1158Thr (NM_001354263.2); short protein forms A1165T, A1158T.
Identifiers: ClinVar variation 1464939 (VCV001464939.8), dbSNP rs2132809449, ClinGen allele CA375773533.